The following is an entry in ClinVar:

ClinVar aggregate classification (germline): Uncertain significance. Review status: criteria provided, multiple submitters, no conflicts (2 of 4 stars). 2 submissions from 2 submitters: Uncertain significance (2). Last evaluated 2025-12-17.

Allele frequency attached by ClinVar (database versions not stated): gnomAD exomes 0.00001.

Submissions (2):

Labcorp Genetics (formerly Invitae), Labcorp
Classification: Uncertain significance. Last evaluated: 2025-12-17. Review status: criteria provided, single submitter. Criteria: Invitae Variant Classification Sherloc (09022015). Collection method: clinical testing. Allele origin: germline.
Comment: This sequence change replaces histidine, which is basic and polar, with aspartic acid, which is acidic and polar, at codon 583 of the MYLK3 protein (p.His583Asp). This variant is not present in population databases (gnomAD no frequency). This variant has not been reported in the literature in individuals affected with MYLK3-related conditions. ClinVar contains an entry for this variant (Variation ID: 1937511). An algorithm developed to predict the effect of missense changes on protein structure and function (PolyPhen-2) suggests that this variant is likely to be tolerated. In summary, the available evidence is currently insufficient to determine the role of this variant in disease. Therefore, it has been classified as a Variant of Uncertain Significance.

Ambry Genetics
Classification: Uncertain significance. Last evaluated: 2024-12-10. Review status: criteria provided, single submitter. Criteria: Ambry Variant Classification Scheme 2023. Collection method: clinical testing. Allele origin: germline.

NM_182493.3(MYLK3):c.1747C>G (p.His583Asp)

Gene: MYLK3 (myosin light chain kinase 3; minus strand). Cytogenetic location: 16q11.2.
Variant type: single nucleotide variant.
Coding change: c.1747C>G on transcript NM_182493.3 (MANE Select); coding-DNA position 1747, C replaced by G.
Protein change: p.His583Asp; replaces histidine 583 with aspartic acid.
Molecular consequence: missense variant.
Genome position (GRCh38, 1-based): chr16:46,729,049, G>C on the plus strand (C>G on the coding strand, the complement: MYLK3 is on the minus strand). VCF-style: chr16-46729049-G-C. GRCh37 (hg19) VCF-style: chr16-46762961-G-C.
Other names: c.1747C>G (NM_182493.2); c.724C>G, p.His242Asp (NM_001308301.1); short protein forms H242D, H583D.
Identifiers: ClinVar variation 1937511 (VCV001937511.6), dbSNP rs2548904347, ClinGen allele CA395790110.
Genomic context (GRCh38, chr16:46,729,049, plus strand): 5'-TGAGCCGAGGCGGCCGCCCCGCCTCTGATACTCACTACTCCATGACAAGGGTGCAGCTGT[G>C]CTTGCTCTCGAAGGCGTCATAGAGCTGGATCAGGTTCACGTGGCTGAGCTGGTTCATGAT-3'
Protein context (NP_872299.2, residues 573-593): IQLYDAFESK[His583Asp]SCTLVMEYVD